The following is an entry in ClinVar:

ClinVar aggregate classification (germline): Uncertain significance (1 of 4 stars; one submission).

Conditions:
PGM1-congenital disorder of glycosylation. Also called: GSD XIV; Congenital disorder of glycosylation type 1t; PHOSPHOGLUCOMUTASE 1 DEFICIENCY; PGM1 DEFICIENCY; GLYCOGEN STORAGE DISEASE XIV; CDG It. Identifiers: Orphanet 319646, MedGen C2752015, MONDO:0013968, OMIM 614921.

Allele frequency attached by ClinVar (database versions not stated): TOPMed below 0.00001; gnomAD 0.00001; gnomAD exomes 0.00001.
gnomAD v4.1: 9 of 1,613,280 alleles (0.00056%); highest among the groups gnomAD compares: African/African-American, 0.0013%; no homozygotes.

Submission:

Labcorp Genetics (formerly Invitae), Labcorp
Classification: Uncertain significance for PGM1-congenital disorder of glycosylation. Last evaluated: 2022-05-25. Review status: criteria provided, single submitter. Criteria: Invitae Variant Classification Sherloc (09022015). Collection method: clinical testing. Allele origin: germline.
Comment: Algorithms developed to predict the effect of missense changes on protein structure and function are either unavailable or do not agree on the potential impact of this missense change (SIFT: "Deleterious"; PolyPhen-2: "Probably Damaging"; Align-GVGD: "Class C0"). In summary, the available evidence is currently insufficient to determine the role of this variant in disease. Therefore, it has been classified as a Variant of Uncertain Significance. This variant has not been reported in the literature in individuals affected with PGM1-related conditions. This variant is present in population databases (no rsID available, gnomAD 0.003%). This sequence change replaces isoleucine, which is neutral and non-polar, with methionine, which is neutral and non-polar, at codon 40 of the PGM1 protein (p.Ile40Met).

NM_002633.3(PGM1):c.120C>G (p.Ile40Met)

Genes: PGM1 (phosphoglucomutase 1; plus strand), LOC129930668 (ATAC-STARR-seq lymphoblastoid active region 1127; plus strand). Cytogenetic location: 1p31.3.
Variant type: single nucleotide variant.
Coding change: c.120C>G on transcript NM_002633.3 (MANE Select); coding-DNA position 120, C replaced by G.
Protein change: p.Ile40Met; replaces isoleucine 40 with methionine.
Molecular consequence: missense variant.
Genome position (GRCh38, 1-based): chr1:63,593,608, C>G. VCF-style: chr1-63593608-C-G. GRCh37 (hg19) VCF-style: chr1-64059279-C-G.
Other names: short protein forms I40M.
Identifiers: ClinVar variation 2180211 (VCV002180211.3), dbSNP rs1372595382, ClinGen allele CA340639151.